The following is an entry in ClinVar:

ClinVar aggregate classification (germline): Uncertain significance (1 of 4 stars; one submission).

Conditions:
Neutropenia, severe congenital, 1, autosomal dominant. Identifiers: MedGen C1859966, MONDO:0042490, OMIM 202700.
Cyclical neutropenia. Also called: Cyclic hematopoiesis; Cyclic Neutropenia. Identifiers: Orphanet 2686, MedGen C0221023, MONDO:0008090, OMIM 162800, HP:0040289. Disease mechanism: loss of function.

Submission:

Labcorp Genetics (formerly Invitae), Labcorp
Classification: Uncertain significance for Neutropenia, severe congenital, 1, autosomal dominant; Cyclical neutropenia. Last evaluated: 2025-01-13. Review status: criteria provided, single submitter. Criteria: Invitae Variant Classification Sherloc (09022015). Collection method: clinical testing. Allele origin: germline.
Comment: This sequence change replaces valine, which is neutral and non-polar, with isoleucine, which is neutral and non-polar, at codon 83 of the ELANE protein (p.Val83Ile). This variant is not present in population databases (gnomAD no frequency). This variant has not been reported in the literature in individuals affected with ELANE-related conditions. ClinVar contains an entry for this variant (Variation ID: 2940865). Invitae Evidence Modeling of protein sequence and biophysical properties (such as structural, functional, and spatial information, amino acid conservation, physicochemical variation, residue mobility, and thermodynamic stability) has been performed for this missense variant. However, the output from this modeling did not meet the statistical confidence thresholds required to predict the impact of this variant on ELANE protein function. In summary, the available evidence is currently insufficient to determine the role of this variant in disease. Therefore, it has been classified as a Variant of Uncertain Significance.

NM_001972.4(ELANE):c.247G>A (p.Val83Ile)

Gene: ELANE (elastase, neutrophil expressed; plus strand). Cytogenetic location: 19p13.3.
Variant type: single nucleotide variant.
Coding change: c.247G>A on transcript NM_001972.4 (MANE Select); coding-DNA position 247, G replaced by A.
Protein change: p.Val83Ile; replaces valine 83 with isoleucine.
Molecular consequence: missense variant.
Genome position (GRCh38, 1-based): chr19:853,284, G>A. VCF-style: chr19-853284-G-A. GRCh37 (hg19) VCF-style: chr19-853284-G-A.
Other names: short protein forms V83I.
Identifiers: ClinVar variation 2940865 (VCV002940865.3), dbSNP rs2512165193, ClinGen allele CA402915186.